The following is an entry in ClinVar:

NM_001134831.2(AHI1):c.881A>G (p.Gln294Arg)

Gene: AHI1 (Abelson helper integration site 1; minus strand). Cytogenetic location: 6q23.3.
Variant type: single nucleotide variant.
Coding change: c.881A>G on transcript NM_001134831.2 (MANE Select); coding-DNA position 881, A replaced by G.
Protein change: p.Gln294Arg; replaces glutamine 294 with arginine.
Molecular consequence: missense variant.
Genome position (GRCh38, 1-based): chr6:135,463,175, T>C on the plus strand (A>G on the coding strand, the complement: AHI1 is on the minus strand). VCF-style: chr6-135463175-T-C. GRCh37 (hg19) VCF-style: chr6-135784313-T-C.
Other names: c.881A>G, p.Gln294Arg (NM_001134830.2, NM_001134832.2, NM_001350503.2 and 2 more transcripts); short protein forms Q294R.
Identifiers: ClinVar variation 860494 (VCV000860494.12), dbSNP rs771092146, ClinGen allele CA4012733.
Genomic context (GRCh38, chr6:135,463,175, plus strand): 5'-TATAGCAAACCTGCTTTAGTCTTCTTTTTTGTTTTTTTTGGTTTAGGTTTTGTATCATCT[T>C]GCATGCTGTCTTCTGTGCTTTGTTCCATTGAGCTTATTTCATCATCTTGATGAGAATCTG-3'
Protein context (NP_001128303.1, residues 284-304): SMEQSTEDSM[Gln294Arg]DDTKPKPKKT

ClinVar aggregate classification (germline): Uncertain significance. Review status: criteria provided, multiple submitters, no conflicts (2 of 4 stars). 2 submissions from 2 submitters: Uncertain significance (2). Last evaluated 2024-12-12.

Conditions:
Joubert syndrome 3 (JBTS3). Also called: AHI1-related Ciliopathy. Identifiers: Orphanet 220493, MedGen C1837713, MONDO:0012078, OMIM 608629.
Joubert syndrome. Also called: CEREBELLOPARENCHYMAL DISORDER IV; JOUBERT-BOLTSHAUSER SYNDROME; Familial aplasia of the vermis. Identifiers: Orphanet 475, MedGen C5979921, MONDO:0018772.

Allele frequency attached by ClinVar (database versions not stated): gnomAD exomes 0.00002; ExAC 0.00007.

Submissions (2):

Labcorp Genetics (formerly Invitae), Labcorp
Classification: Uncertain significance for Joubert syndrome. Last evaluated: 2024-12-12. Review status: criteria provided, single submitter. Criteria: Invitae Variant Classification Sherloc (09022015). Collection method: clinical testing. Allele origin: germline.
Comment: This sequence change replaces glutamine, which is neutral and polar, with arginine, which is basic and polar, at codon 294 of the AHI1 protein (p.Gln294Arg). The frequency data for this variant in the population databases is considered unreliable, as metrics indicate poor data quality at this position in the gnomAD database. This variant has not been reported in the literature in individuals affected with AHI1-related conditions. ClinVar contains an entry for this variant (Variation ID: 860494). Invitae Evidence Modeling of protein sequence and biophysical properties (such as structural, functional, and spatial information, amino acid conservation, physicochemical variation, residue mobility, and thermodynamic stability) indicates that this missense variant is not expected to disrupt AHI1 protein function with a negative predictive value of 95%. In summary, the available evidence is currently insufficient to determine the role of this variant in disease. Therefore, it has been classified as a Variant of Uncertain Significance.

Fulgent Genetics
Classification: Uncertain significance for Joubert syndrome 3. Last evaluated: 2024-04-19. Review status: criteria provided, single submitter. Criteria: ACMG Guidelines, 2015. Collection method: clinical testing. Allele origin: germline.